The following is an entry in ClinVar:

ClinVar aggregate classification (germline): Conflicting classifications of pathogenicity. Review status: criteria provided, conflicting classifications (1 of 4 stars). 4 submissions from 4 submitters: Uncertain significance (1); Benign (1); Likely benign (1). 1 of the submissions does not count toward it. Last evaluated 2026-07-15.

Conditions:
EP300-related disorder. Also called: EP300-related condition; EP300-related disorders.
Inborn genetic diseases. Identifiers: MedGen C0950123, MeSH D030342.
Rubinstein-Taybi syndrome due to EP300 haploinsufficiency. Also called: EP300-Related Rubinstein-Taybi Syndrome; RUBINSTEIN-TAYBI SYNDROME 2. Identifiers: Orphanet 353284, Orphanet 783, MedGen C3150941, MONDO:0013364, OMIM 613684.

Allele frequency attached by ClinVar (database versions not stated): gnomAD 0.00001; gnomAD exomes 0.00001 and 0.00002; TOPMed 0.00001; ExAC 0.00002.
gnomAD v4.1: 11 of 1,614,104 alleles (0.00068%); highest among the groups gnomAD compares: Admixed American, 0.012%; no homozygotes.

Submissions (4):

PreventionGenetics, part of Exact Sciences
Classification: Uncertain significance for EP300-related condition. Last evaluated: 2026-07-15. Review status: criteria provided, single submitter. Criteria: ACMG Guidelines, 2015. Collection method: clinical testing. Allele origin: germline.
Comment: The EP300 c.7139C>T variant is predicted to result in the amino acid substitution p.Pro2380Leu. To our knowledge, this variant has not been reported in the literature. This variant is reported in 0.014% of alleles in individuals of Latino descent in gnomAD. Although we suspect that this variant may be benign, at this time, the clinical significance of this variant is uncertain due to the absence of conclusive functional and genetic evidence.

Ambry Genetics
Classification: Likely benign for Inborn genetic diseases. Last evaluated: 2024-01-03. Review status: criteria provided, single submitter. Criteria: Ambry Variant Classification Scheme 2023. Collection method: clinical testing. Allele origin: germline.

Labcorp Genetics (formerly Invitae), Labcorp
Classification: Benign for Rubinstein-Taybi syndrome due to EP300 haploinsufficiency. Last evaluated: 2022-10-17. Review status: criteria provided, single submitter. Criteria: Invitae Variant Classification Sherloc (09022015). Collection method: clinical testing. Allele origin: germline.

ITMI
No classification provided. Condition: AllHighlyPenetrant. Last evaluated: 2013-09-19. Review status: no classification provided. Collection method: reference population. Allele origin: germline. Not counted in ClinVar's aggregate classification.
Comment: Please see associated publication for description of ethnicities

Literature cited by the submitters: PubMed 24728327 (cited by ITMI).

NM_001429.4(EP300):c.7139C>T (p.Pro2380Leu)

Gene: EP300 (EP300 lysine acetyltransferase; plus strand). Cytogenetic location: 22q13.2.
Variant type: single nucleotide variant.
Coding change: c.7139C>T on transcript NM_001429.4 (MANE Select); coding-DNA position 7139, C replaced by T.
Protein change: p.Pro2380Leu; replaces proline 2380 with leucine.
Molecular consequence: missense variant.
Genome position (GRCh38, 1-based): chr22:41,178,850, C>T. VCF-style: chr22-41178850-C-T. GRCh37 (hg19) VCF-style: chr22-41574854-C-T.
Other names: c.7061C>T, p.Pro2354Leu (NM_001362843.2); c.7139C>T (NM_001429.3); short protein forms P2380L, P2354L.
Identifiers: ClinVar variation 134055 (VCV000134055.8), dbSNP rs587778259, ClinGen allele CA158520.